The following is an entry in ClinVar:

NM_201384.3(PLEC):c.7537_7538delinsGC (p.Lys2513Ala)

Gene: PLEC (plectin; minus strand). Cytogenetic location: 8q24.3.
Variant type: Indel.
Coding change: c.7537_7538delinsGC on transcript NM_201384.3 (MANE Select); coding-DNA positions 7537 to 7538, AA replaced by GC.
Protein change: p.Lys2513Ala; replaces lysine 2513 with alanine.
Molecular consequence: missense variant.
Genome position (GRCh38, 1-based): chr8:143,922,283-143,922,284, TT replaced by GC on the plus strand (AA replaced by GC on the coding strand, the reverse complement: PLEC is on the minus strand). VCF-style: chr8-143922283-TT-GC. GRCh37 (hg19) VCF-style: chr8-144996451-TT-GC.
Other names: c.7618_7619delinsGC, p.Lys2540Ala (NM_000445.5); c.7495_7496delinsGC, p.Lys2499Ala (NM_201378.4); c.7471_7472delinsGC, p.Lys2491Ala (NM_201379.3); c.7948_7949delinsGC, p.Lys2650Ala (NM_201380.4); c.7441_7442delinsGC, p.Lys2481Ala (NM_201381.3); c.7537_7538delinsGC, p.Lys2513Ala (NM_201382.4); c.7549_7550delinsGC, p.Lys2517Ala (NM_201383.3); short protein forms K2481A, K2513A, K2499A, K2517A, K2540A, K2650A, K2491A.
Identifiers: ClinVar variation 451899 (VCV000451899.2), dbSNP rs1554689196, ClinGen allele CA658657833.
Genomic context (GRCh38, chr8:143,922,283, plus strand): 5'-TCCTCACGCAGCTGCTGTGCCTTGGCCACCTCGTCCTGGAAGAGCTGCTCCAGCTTGGCC[TT>GC]CTCCTGCTCGATGAAGCGCTCCCGCTGTAGCAGGCTGTCCTTTTCAGAGAGGAAGCTTTG-3'
Protein context (NP_958786.1, residues 2503-2523): LQRERFIEQE[Lys2513Ala]AKLEQLFQDE

ClinVar aggregate classification (germline): Uncertain significance. Review status: criteria provided, multiple submitters, no conflicts (2 of 4 stars). 2 submissions from 2 submitters: Uncertain significance (2). Last evaluated 2024-06-06.

Submissions (2):

Revvity Omics, Revvity
Classification: Uncertain significance. Last evaluated: 2024-06-06. Review status: criteria provided, single submitter. Criteria: ACMG Guidelines, 2015. Collection method: clinical testing. Allele origin: germline.

GeneDx
Classification: Uncertain significance. Last evaluated: 2017-09-07. Review status: criteria provided, single submitter. Criteria: GeneDx Variant Classification (06012015). Collection method: clinical testing. Allele origin: germline. Affected: yes.
Comment: A variant of uncertain significance has been identified in the PLEC gene. The c.7618_7619delAAinsGC variant has not been published as a pathogenic variant, nor has it been reported as a benign variant to our knowledge. The c.7618_7619delAAinsGC variant is not observed at a significant frequency in large population cohorts (Lek et al., 2016; 1000 Genomes Consortium et al., 2015; Exome Variant Server). The c.7618_7619delAAinsGC variant results in an in-frame deletion of a Lysine residue and the insertion of an Alanine reside at amino acid position 2540, denoted p.K2540A. The K2540A variant is a non-conservative amino acid substitution, which is likely to impact secondary protein structure as these residues differ in polarity, charge, size and/or other properties. This substitution occurs at a position where amino acids with similar properties to Lysine are tolerated across species. In silico analysis is inconsistent in its predictions as to whether or not the variant is damaging to the protein structure/function. Therefore, based on the currently available information, it is unclear whether this variant is a pathogenic variant or a rare benign variant.